The following is an entry in ClinVar:

NM_172362.3(KCNH1):c.2680G>A (p.Val894Met)

Gene: KCNH1 (potassium voltage-gated channel subfamily H member 1; minus strand). Cytogenetic location: 1q32.2.
Variant type: single nucleotide variant.
Coding change: c.2680G>A on transcript NM_172362.3 (MANE Select); coding-DNA position 2680, G replaced by A.
Protein change: p.Val894Met; replaces valine 894 with methionine.
Molecular consequence: missense variant.
Genome position (GRCh38, 1-based): chr1:210,683,571, C>T on the plus strand (G>A on the coding strand, the complement: KCNH1 is on the minus strand). VCF-style: chr1-210683571-C-T. GRCh37 (hg19) VCF-style: chr1-210856913-C-T.
Other names: c.2599G>A, p.Val867Met (NM_002238.4); c.2680G>A (NM_172362.2); short protein forms V867M, V894M.
Identifiers: ClinVar variation 1620625 (VCV001620625.20), dbSNP rs371256167, ClinGen allele CA1379608.

ClinVar aggregate classification (germline): Likely benign. Review status: criteria provided, multiple submitters, no conflicts (2 of 4 stars). 3 submissions from 3 submitters: Likely benign (3). Last evaluated 2025-11-13.

Conditions:
Inborn genetic diseases. Identifiers: MedGen C0950123, MeSH D030342.

Allele frequency attached by ClinVar (database versions not stated): ESP Exome Variant Server 0.00008; TOPMed 0.00008; gnomAD 0.00011; gnomAD exomes 0.00016; ExAC 0.00025.
gnomAD v4.1: 219 of 1,614,058 alleles (0.014%); highest among the groups gnomAD compares: Non-Finnish European, 0.016%; no homozygotes.

Submissions (3):

Labcorp Genetics (formerly Invitae), Labcorp
Classification: Likely benign. Last evaluated: 2025-11-13. Review status: criteria provided, single submitter. Criteria: Invitae Variant Classification Sherloc (09022015). Collection method: clinical testing. Allele origin: germline.

CeGaT Center for Human Genetics Tuebingen
Classification: Likely benign. Last evaluated: 2025-05-01. Review status: criteria provided, single submitter. Criteria: CeGaT Center For Human Genetics Tuebingen Variant Classification Criteria Version 2. Collection method: clinical testing. Allele origin: germline. Affected: yes. Observed: 1 variant allele.
Comment: KCNH1: BS2

Ambry Genetics
Classification: Likely benign for Inborn genetic diseases. Last evaluated: 2023-09-14. Review status: criteria provided, single submitter. Criteria: Ambry Variant Classification Scheme 2023. Collection method: clinical testing. Allele origin: germline.